The following is an entry in ClinVar:

NM_020318.3(PAPPA2):c.1475C>T (p.Ser492Leu)

Gene: PAPPA2 (pappalysin 2; plus strand). Cytogenetic location: 1q25.2.
Variant type: single nucleotide variant.
Coding change: c.1475C>T on transcript NM_020318.3 (MANE Select); coding-DNA position 1475, C replaced by T.
Protein change: p.Ser492Leu; replaces serine 492 with leucine.
Molecular consequence: missense variant.
Genome position (GRCh38, 1-based): chr1:176,595,079, C>T. VCF-style: chr1-176595079-C-T. GRCh37 (hg19) VCF-style: chr1-176564215-C-T.
Other names: c.1475C>T, p.Ser492Leu (NM_021936.3); short protein forms S492L.
Identifiers: ClinVar variation 767730 (VCV000767730.5), dbSNP rs116090626, ClinGen allele CA1257295.

ClinVar aggregate classification (germline): Likely benign. Review status: criteria provided, multiple submitters, no conflicts (2 of 4 stars). 3 submissions from 3 submitters: Likely benign (3). Last evaluated 2026-05-14.

Allele frequency attached by ClinVar (database versions not stated): TOPMed 0.00306; ESP Exome Variant Server 0.00327; 1000 Genomes Project 0.00399; ExAC 0.00082; gnomAD 0.00293 and 0.00315; 1000 Genomes Project 30x 0.00375; gnomAD exomes 0.00067 and 0.00032.
gnomAD v4.1: 938 of 1,614,146 alleles (0.058%); highest among the groups gnomAD compares: African/African-American, 1%; 4 homozygotes.

Submissions (3):

Women's Health and Genetics/Laboratory Corporation of America, LabCorp
Classification: Likely benign. Last evaluated: 2026-05-14. Review status: criteria provided, single submitter. Criteria: LabCorp Variant Classification Summary - May 2015. Collection method: clinical testing. Allele origin: germline.
Comment: Variant summary: PAPPA2 c.1475C>T (p.Ser492Leu) results in a non-conservative amino acid change in the encoded protein sequence. Algorithms developed to predict the effect of missense changes on protein structure and function are either unavailable or do not agree on the potential impact of this missense change. The variant allele was found at a frequency of 0.00067 in 249562 control chromosomes, predominantly at a frequency of 0.0095 within the African or African-American subpopulation in the gnomAD database, including 1 homozygotes. The observed variant frequency within African or African-American control individuals in the gnomAD database exceeds the estimated maximal expected allele frequency for disease-causing variants in PAPPA2. To our knowledge, no occurrence of c.1475C>T in individuals affected with PAPPA2-related conditions and no experimental evidence demonstrating its impact on protein function have been reported. ClinVar contains an entry for this variant (Variation ID: 767730). Based on the evidence outlined above, the variant was classified as likely benign.

Labcorp Genetics (formerly Invitae), Labcorp
Classification: Likely benign. Last evaluated: 2018-04-10. Review status: criteria provided, single submitter. Criteria: Invitae Variant Classification Sherloc (09022015). Collection method: clinical testing. Allele origin: germline.

Breakthrough Genomics
Classification: Likely benign. Review status: criteria provided, single submitter. Criteria: ACMG Guidelines, 2015. Collection method: not provided. Allele origin: germline. Inheritance: Autosomal recessive inheritance. Affected: yes.